The following is an entry in ClinVar:

ClinVar aggregate classification (germline): Pathogenic (1 of 4 stars; one submission).

Conditions:
Hereditary cancer-predisposing syndrome. Also called: Neoplastic Syndromes, Hereditary; Tumor predisposition; Hereditary Cancer Syndrome; Hereditary neoplastic syndrome. Identifiers: Orphanet 140162, MedGen C0027672, MeSH D009386, MONDO:0015356.

Submission:

Labcorp Genetics (formerly Invitae), Labcorp
Classification: Pathogenic for Hereditary cancer-predisposing syndrome. Last evaluated: 2021-12-07. Review status: criteria provided, single submitter. Criteria: Invitae Variant Classification Sherloc (09022015). Collection method: clinical testing. Allele origin: germline.
Comment: This sequence change creates a premature translational stop signal (p.Arg1093Profs*9) in the RAD50 gene. It is expected to result in an absent or disrupted protein product. Loss-of-function variants in RAD50 are known to be pathogenic (PMID: 19409520). This variant is not present in population databases (gnomAD no frequency). This variant has not been reported in the literature in individuals affected with RAD50-related conditions. ClinVar contains an entry for this variant (Variation ID: 527375). For these reasons, this variant has been classified as Pathogenic.

Literature cited by the submitters: PubMed 19409520.

NM_005732.4(RAD50):c.3277dup (p.Arg1093fs)

Gene: RAD50 (RAD50 double strand break repair protein; plus strand). Cytogenetic location: 5q31.1.
Variant type: Duplication.
Coding change: c.3277dup on transcript NM_005732.4 (MANE Select); coding-DNA position 3277, one base duplicated (C; older notation c.3277dupC).
Protein change: p.Arg1093fs; shifts the reading frame from arginine 1093.
Molecular consequence: frameshift variant.
Genome position (GRCh38, 1-based): chr5:132,618,182, C duplicated. VCF-style (leftmost placement, unchanged base first): chr5-132618181-T-TC. GRCh37 (hg19) VCF-style: chr5-131953873-T-TC.
Other names: c.3277dupC (NM_005732.3); short protein forms R1093fs.
Identifiers: ClinVar variation 527375 (VCV000527375.7), dbSNP rs1554099874, ClinGen allele CA658796646.